The following is an entry in ClinVar:

ClinVar aggregate classification (germline): Uncertain significance (1 of 4 stars; one submission).

Conditions:
Inborn genetic diseases. Identifiers: MedGen C0950123, MeSH D030342.

Submission:

Ambry Genetics
Classification: Uncertain significance for Inborn genetic diseases. Last evaluated: 2025-05-25. Review status: criteria provided, single submitter. Criteria: Ambry Variant Classification Scheme 2023. Collection method: clinical testing. Allele origin: germline.
Comment: The p.K844I variant (also known as c.2531A>T), located in coding exon 9 of the MECOM gene, results from an A to T substitution at nucleotide position 2531. The lysine at codon 844 is replaced by isoleucine, an amino acid with dissimilar properties. This amino acid position is conserved. In addition, the in silico prediction for this alteration is inconclusive. Based on the available evidence, the clinical significance of this variant remains unclear.

NM_004991.4(MECOM):c.2531A>T (p.Lys844Ile)

Gene: MECOM (MDS1 and EVI1 complex locus; minus strand). Cytogenetic location: 3q26.2.
Variant type: single nucleotide variant.
Coding change: c.2531A>T on transcript NM_004991.4 (MANE Select); coding-DNA position 2531, A replaced by T.
Protein change: p.Lys844Ile; replaces lysine 844 with isoleucine.
Molecular consequence: missense variant.
Genome position (GRCh38, 1-based): chr3:169,112,833, T>A on the plus strand (A>T on the coding strand, the complement: MECOM is on the minus strand). VCF-style: chr3-169112833-T-A. GRCh37 (hg19) VCF-style: chr3-168830621-T-A.
Other names: c.2162A>T, p.Lys721Ile (NM_001105077.4); c.1967A>T, p.Lys656Ile (NM_001105078.4, NM_001164000.2, NM_001205194.2 and 4 more transcripts); c.1970A>T, p.Lys657Ile (NM_001163999.2, NM_001366467.2, NM_001366468.2 and 1 more transcripts); c.2531A>T, p.Lys844Ile (NM_001366466.2); c.1559A>T, p.Lys520Ile (NM_001366473.2); c.995A>T, p.Lys332Ile (NM_001366474.2); short protein forms K656I, K657I, K844I, K520I, K721I, K332I.
Identifiers: ClinVar variation 4053291 (VCV004053291.1).
Genomic context (GRCh38, chr3:169,112,833, plus strand): 5'-TCCAAAATACTTACTTGTGGGTGAAACAAGAATCCTGGAGAAGGCCTCAAGTATTTCTCT[T>A]TTAAAGCTTCAAGTGGGTCAGTTAGTTTTCTTTTCTCTACTCTGAAAGGTTAAAATTAGA-3'
Protein context (NP_004982.2, residues 834-854): RKLTDPLEAL[Lys844Ile]EKYLRPSPGF